The following is an entry in ClinVar:

NM_014423.4(AFF4):c.1586C>T (p.Pro529Leu)

Gene: AFF4 (ALF transcription elongation factor 4; minus strand). Cytogenetic location: 5q31.1.
Variant type: single nucleotide variant.
Coding change: c.1586C>T on transcript NM_014423.4 (MANE Select); coding-DNA position 1586, C replaced by T.
Protein change: p.Pro529Leu; replaces proline 529 with leucine.
Molecular consequence: missense variant.
Genome position (GRCh38, 1-based): chr5:132,897,044, G>A on the plus strand (C>T on the coding strand, the complement: AFF4 is on the minus strand). VCF-style: chr5-132897044-G-A. GRCh37 (hg19) VCF-style: chr5-132232736-G-A.
Other names: short protein forms P529L.
Identifiers: ClinVar variation 434102 (VCV000434102.47), dbSNP rs188073736, ClinGen allele CA3409063.

ClinVar aggregate classification (germline): Conflicting classifications of pathogenicity. Review status: criteria provided, conflicting classifications (1 of 4 stars). 6 submissions from 6 submitters: Uncertain significance (1); Likely benign (4). 1 of the submissions does not count toward it. Last evaluated 2026-04-17.

Conditions:
Cognitive impairment - coarse facies - heart defects - obesity - pulmonary involvement - short stature - skeletal dysplasia syndrome. Also called: AFF4-Related CHOPS Syndrome; COGNITIVE IMPAIRMENT, COARSE FACIES, HEART DEFECTS, OBESITY, PULMONARY INVOLVEMENT, SHORT STATURE, AND SKELETAL DYSPLASIA; Chops syndrome. Identifiers: Orphanet 444077, MedGen C4085597, MONDO:0014609, OMIM 616368.
Inborn genetic diseases. Identifiers: MedGen C0950123, MeSH D030342.
AFF4-related disorder. Also called: AFF4-related condition.

Allele frequency attached by ClinVar (database versions not stated): TOPMed 0.00025; 1000 Genomes Project 30x 0.00031; gnomAD 0.00011; ExAC 0.00018; 1000 Genomes Project 0.00020; gnomAD exomes 0.00020.
gnomAD v4.1: 408 of 1,614,136 alleles (0.025%); highest among the groups gnomAD compares: Admixed American, 0.093%; 1 homozygote.

Submissions (6):

GeneDx
Classification: Uncertain significance. Last evaluated: 2026-04-17. Review status: criteria provided, single submitter. Criteria: GeneDx Variant Classification Process June 2021. Collection method: clinical testing. Allele origin: germline.
Comment: In silico analysis supports that this missense variant has a deleterious effect on protein structure/function; Has not been previously published as pathogenic or benign to our knowledge

Labcorp Genetics (formerly Invitae), Labcorp
Classification: Likely benign for Cognitive impairment - coarse facies - heart defects - obesity - pulmonary involvement - short stature - skeletal dysplasia syndrome. Last evaluated: 2025-12-11. Review status: criteria provided, single submitter. Criteria: Invitae Variant Classification Sherloc (09022015). Collection method: clinical testing. Allele origin: germline.

CeGaT Center for Human Genetics Tuebingen
Classification: Likely benign. Last evaluated: 2022-02-01. Review status: criteria provided, single submitter. Criteria: CeGaT Center For Human Genetics Tuebingen Variant Classification Criteria Version 2. Collection method: clinical testing. Allele origin: germline. Affected: yes. Observed: 1 variant allele.

Ambry Genetics
Classification: Likely benign for Inborn genetic diseases. Last evaluated: 2021-09-16. Review status: criteria provided, single submitter. Criteria: Ambry Variant Classification Scheme 2023. Collection method: clinical testing. Allele origin: germline.

Genetic Services Laboratory, University of Chicago
Classification: Likely benign. Last evaluated: 2016-05-23. Review status: criteria provided, single submitter. Criteria: ACMG Guidelines, 2015. Collection method: clinical testing. Allele origin: germline. Affected: no.

PreventionGenetics, part of Exact Sciences
Classification: Likely benign for AFF4-related condition. Last evaluated: 2021-06-03. Review status: no assertion criteria provided. Collection method: clinical testing. Allele origin: germline. Not counted in ClinVar's aggregate classification.
Comment: This variant is classified as likely benign based on ACMG/AMP sequence variant interpretation guidelines (Richards et al. 2015 PMID: 25741868, with internal and published modifications).